The following is an entry in ClinVar:

ClinVar aggregate classification (germline): Uncertain significance (1 of 4 stars; one submission).

Allele frequency attached by ClinVar (database versions not stated): gnomAD exomes below 0.00001.
gnomAD v4.1: 2 of 1,614,112 alleles (0.00012%); highest among the groups gnomAD compares: Non-Finnish European, 0.00017%; no homozygotes.

Submission:

Labcorp Genetics (formerly Invitae), Labcorp
Classification: Uncertain significance. Last evaluated: 2022-09-07. Review status: criteria provided, single submitter. Criteria: Invitae Variant Classification Sherloc (09022015). Collection method: clinical testing. Allele origin: germline.
Comment: This sequence change replaces phenylalanine, which is neutral and non-polar, with leucine, which is neutral and non-polar, at codon 445 of the NTRK2 protein (p.Phe445Leu). This variant is not present in population databases (gnomAD no frequency). This variant has not been reported in the literature in individuals affected with NTRK2-related conditions. Advanced modeling of protein sequence and biophysical properties (such as structural, functional, and spatial information, amino acid conservation, physicochemical variation, residue mobility, and thermodynamic stability) performed at Invitae indicates that this missense variant is expected to disrupt NTRK2 protein function. In summary, the available evidence is currently insufficient to determine the role of this variant in disease. Therefore, it has been classified as a Variant of Uncertain Significance.

NM_006180.6(NTRK2):c.1335T>A (p.Phe445Leu)

Gene: NTRK2 (neurotrophic receptor tyrosine kinase 2; plus strand). Cytogenetic location: 9q21.33.
Variant type: single nucleotide variant.
Coding change: c.1335T>A on transcript NM_006180.6 (MANE Select); coding-DNA position 1335, T replaced by A.
Protein change: p.Phe445Leu; replaces phenylalanine 445 with leucine.
Molecular consequence: missense variant.
Genome position (GRCh38, 1-based): chr9:84,752,024, T>A. VCF-style: chr9-84752024-T-A. GRCh37 (hg19) VCF-style: chr9-87366939-T-A.
Other names: c.1335T>A, p.Phe445Leu (NM_001369543.1, NM_001369544.1, NM_001369545.1 and 16 more transcripts); c.1296T>A, p.Phe432Leu (NM_001369546.1, NM_001291937.2); c.867T>A, p.Phe289Leu (NM_001369550.1, NM_001369551.1, NM_001369552.1 and 2 more transcripts); c.1299T>A, p.Phe433Leu (NM_001369534.1); short protein forms F433L, F432L, F445L, F289L.
Identifiers: ClinVar variation 2047723 (VCV002047723.4), dbSNP rs2493107336, ClinGen allele CA374008329.